The following is an entry in ClinVar:

ClinVar aggregate classification (germline): Likely benign. Review status: criteria provided, multiple submitters, no conflicts (2 of 4 stars). 4 submissions from 4 submitters: Likely benign (3). 1 of the submissions does not count toward it. Last evaluated 2025-07-01.

Conditions:
ATP5F1E-related disorder. Also called: ATP5F1E-related condition.

Allele frequency attached by ClinVar (database versions not stated): gnomAD exomes 0.00037; ExAC 0.00040; 1000 Genomes Project 30x 0.00078; 1000 Genomes Project 0.00080; gnomAD 0.00123 and 0.00136; TOPMed 0.00153; ESP Exome Variant Server 0.00154.
gnomAD v4.1: 394 of 1,613,872 alleles (0.024%); highest among the groups gnomAD compares: African/African-American, 0.44%; no homozygotes.

Submissions (4):

Labcorp Genetics (formerly Invitae), Labcorp
Classification: Likely benign. Last evaluated: 2025-07-01. Review status: criteria provided, single submitter. Criteria: Invitae Variant Classification Sherloc (09022015). Collection method: clinical testing. Allele origin: germline.

GeneDx
Classification: Likely benign. Last evaluated: 2021-02-25. Review status: criteria provided, single submitter. Criteria: GeneDx Variant Classification Process June 2021. Collection method: clinical testing. Allele origin: germline. Affected: yes.

Breakthrough Genomics
Classification: Likely benign. Review status: criteria provided, single submitter. Criteria: ACMG Guidelines, 2015. Collection method: not provided. Allele origin: germline. Inheritance: Autosomal recessive inheritance. Affected: yes.

PreventionGenetics, part of Exact Sciences
Classification: Likely benign for ATP5F1E-related condition. Last evaluated: 2020-01-24. Review status: no assertion criteria provided. Collection method: clinical testing. Allele origin: germline. Not counted in ClinVar's aggregate classification.
Comment: This variant is classified as likely benign based on ACMG/AMP sequence variant interpretation guidelines (Richards et al. 2015 PMID: 25741868, with internal and published modifications).

NM_006886.4(ATP5F1E):c.86C>A (p.Thr29Lys)

Genes: ATP5F1E (ATP synthase F1 subunit epsilon; minus strand), SLMO2-ATP5E (SLMO2-ATP5E readthrough; minus strand). Cytogenetic location: 20q13.32.
Variant type: single nucleotide variant.
Coding change: c.86C>A on transcript NM_006886.4 (MANE Select); coding-DNA position 86, C replaced by A.
Protein change: p.Thr29Lys; replaces threonine 29 with lysine.
Molecular consequence: missense variant. On other transcripts: non-coding transcript variant (2).
Genome position (GRCh38, 1-based): chr20:59,030,376, G>T on the plus strand (C>A on the coding strand, the complement: ATP5F1E is on the minus strand). VCF-style: chr20-59030376-G-T. GRCh37 (hg19) VCF-style: chr20-57605431-G-T.
Other names: c.86C>A (NM_006886.3); short protein forms T29K.
Identifiers: ClinVar variation 1316129 (VCV001316129.12), dbSNP rs146230809, ClinGen allele CA9928737.